The following is an entry in ClinVar:

NM_001375524.1(TRRAP):c.10905G>A (p.Thr3635=)

Gene: TRRAP (transformation/transcription domain associated protein; plus strand). Cytogenetic location: 7q22.1.
Variant type: single nucleotide variant.
Coding change: c.10905G>A on transcript NM_001375524.1 (MANE Select); coding-DNA position 10905, G replaced by A.
Protein change: p.Thr3635=; no amino-acid change (threonine 3635 retained).
Molecular consequence: synonymous variant.
Genome position (GRCh38, 1-based): chr7:99,008,528, G>A. VCF-style: chr7-99008528-G-A. GRCh37 (hg19) VCF-style: chr7-98606151-G-A.
Other names: c.10863G>A, p.Thr3621= (NM_001244580.2); c.10776G>A, p.Thr3592= (NM_003496.4); c.10776G>A (NM_003496.3).
Identifiers: ClinVar variation 2174749 (VCV002174749.5), dbSNP rs149654185, ClinGen allele CA4362023.

ClinVar aggregate classification (germline): Likely benign. Review status: criteria provided, multiple submitters, no conflicts (2 of 4 stars). 2 submissions from 2 submitters: Likely benign (2). Last evaluated 2025-09-28.

Conditions:
TRRAP-related disorder. Also called: TRRAP-related condition.

Allele frequency attached by ClinVar (database versions not stated): gnomAD 0.00005; TOPMed 0.00007; ESP Exome Variant Server 0.00015; ExAC 0.00002.
gnomAD v4.1: 29 of 1,613,960 alleles (0.0018%); highest among the groups gnomAD compares: Middle Eastern, 0.016%; no homozygotes.

Submissions (2):

PreventionGenetics, part of Exact Sciences
Classification: Likely benign for TRRAP-related condition. Last evaluated: 2025-09-28. Review status: criteria provided, single submitter. Criteria: ACMG Guidelines, 2015. Collection method: clinical testing. Allele origin: germline.
Comment: This variant is classified as likely benign based on ACMG/AMP sequence variant interpretation guidelines (Richards et al. 2015 PMID: 25741868, with internal and published modifications).

Labcorp Genetics (formerly Invitae), Labcorp
Classification: Likely benign. Last evaluated: 2025-07-03. Review status: criteria provided, single submitter. Criteria: Invitae Variant Classification Sherloc (09022015). Collection method: clinical testing. Allele origin: germline.